The following is an entry in ClinVar:

NM_007294.4(BRCA1):c.150A>T (p.Lys50Asn)

Gene: BRCA1 (BRCA1 DNA repair associated; minus strand). Cytogenetic location: 17q21.31.
Variant type: single nucleotide variant.
Coding change: c.150A>T on transcript NM_007294.4 (MANE Select); coding-DNA position 150, A replaced by T.
Protein change: p.Lys50Asn; replaces lysine 50 with asparagine.
Molecular consequence: missense variant. On other transcripts: non-coding transcript variant (1).
Genome position (GRCh38, 1-based): chr17:43,106,518, T>A on the plus strand (A>T on the coding strand, the complement: BRCA1 is on the minus strand). VCF-style: chr17-43106518-T-A. GRCh37 (hg19) VCF-style: chr17-41258535-T-A.
Other names: c.-39A>T (NM_001407571.1, NM_001407853.1, NM_001407879.1 and 58 more transcripts); c.150A>T, p.Lys50Asn (NM_001407581.1, NM_001407582.1, NM_001407583.1 and 168 more transcripts); c.9A>T, p.Lys3Asn (NM_001407692.1, NM_001407694.1, NM_001407695.1 and 99 more transcripts); short protein forms K50N, K3N.
Identifiers: ClinVar variation 479269 (VCV000479269.10), dbSNP rs1555597289, ClinGen allele CA10601855.
Genomic context (GRCh38, chr17:43,106,518, plus strand): 5'-TTTGGTTATATCATTCTTACATAAAGGACACTGTGAAGGCCCTTTCTTCTGGTTGAGAAG[T>A]TTCAGCATGCAAAATCTATAAATTATAAAGAAAGAAAGAACAATTTAATTTACTTCCTTT-3'
Protein context (NP_009225.1, residues 40-60): DHIFCKFCML[Lys50Asn]LLNQKKGPSQ

ClinVar aggregate classification (germline): Uncertain significance. Review status: criteria provided, multiple submitters, no conflicts (2 of 4 stars). 2 submissions from 2 submitters: Uncertain significance (2). Last evaluated 2024-04-22.

Conditions:
Hereditary breast ovarian cancer syndrome. Also called: Breast and ovarian cancer; Hereditary breast and/or ovarian cancer syndrome; BRCA1- and BRCA2-Associated Hereditary Breast and Ovarian Cancer; Hereditary breast and ovarian cancer syndrome; Hereditary breast and ovarian cancer syndrome (HBOC); Hereditary breast and ovarian cancer. Identifiers: Orphanet 145, MedGen C0677776, MeSH D061325, MONDO:0003582. Disease mechanism: loss of function.
Hereditary cancer-predisposing syndrome. Also called: Tumor predisposition; Hereditary Cancer Syndrome; Hereditary neoplastic syndrome; Neoplastic Syndromes, Hereditary. Identifiers: Orphanet 140162, MedGen C0027672, MeSH D009386, MONDO:0015356.

Submissions (3):

Labcorp Genetics (formerly Invitae), Labcorp
Classification: Uncertain significance for Hereditary breast ovarian cancer syndrome. Last evaluated: 2024-04-22. Review status: criteria provided, single submitter. Criteria: Invitae Variant Classification Sherloc (09022015). Collection method: clinical testing. Allele origin: germline.
Comment: This sequence change replaces lysine, which is basic and polar, with asparagine, which is neutral and polar, at codon 50 of the BRCA1 protein (p.Lys50Asn). This variant is not present in population databases (gnomAD no frequency). This variant has not been reported in the literature in individuals affected with BRCA1-related conditions. ClinVar contains an entry for this variant (Variation ID: 479269). Advanced modeling performed at Invitae incorporating data from internal and/or published experimental studies (PMID: 30209399) indicates that this missense variant is not expected to disrupt BRCA1 function with a negative predictive value of 95%. In summary, the available evidence is currently insufficient to determine the role of this variant in disease. Therefore, it has been classified as a Variant of Uncertain Significance.

Ambry Genetics
Classification: Uncertain significance for Hereditary cancer-predisposing syndrome. Last evaluated: 2021-01-01. Review status: criteria provided, single submitter. Criteria: Ambry Variant Classification Scheme 2023. Collection method: clinical testing. Allele origin: germline.
Comment: The p.K50N variant (also known as c.150A>T), located in coding exon 3 of the BRCA1 gene, results from an A to T substitution at nucleotide position 150. The lysine at codon 50 is replaced by asparagine, an amino acid with similar properties. One functional study found that this nucleotide substitution is functional in a high throughput genome editing haploid cell survival assay (Findlay GM et al. Nature, 2018 10;562:217-222). This amino acid position is highly conserved in available vertebrate species. In addition, the in silico prediction for this alteration is inconclusive. Since supporting evidence is limited at this time, the clinical significance of this alteration remains unclear.

Brotman Baty Institute, University of Washington
No classification provided (evidence only). Condition: Breast-ovarian cancer, familial 1. Review status: no classification provided. Collection method: in vitro. Allele origin: not applicable. Functional consequence: functionally_normal. Not counted in ClinVar's aggregate classification.
ClinVar note: "not provided" was previously submitted as the classification for the variant. However, the classification appeared to be based only on an observation of functional data so it was converted to no classification on 2025-07-30.

Literature cited by the submitters: PubMed 30209399 (cited by Labcorp Genetics (formerly Invitae), Labcorp and Ambry Genetics).